The following is an entry in ClinVar:

NM_014714.4(IFT140):c.4136A>G (p.Tyr1379Cys)

Gene: IFT140 (intraflagellar transport 140; minus strand). Cytogenetic location: 16p13.3.
Variant type: single nucleotide variant.
Coding change: c.4136A>G on transcript NM_014714.4 (MANE Select); coding-DNA position 4136, A replaced by G.
Protein change: p.Tyr1379Cys; replaces tyrosine 1379 with cysteine.
Molecular consequence: missense variant.
Genome position (GRCh38, 1-based): chr16:1,518,262, T>C on the plus strand (A>G on the coding strand, the complement: IFT140 is on the minus strand). VCF-style: chr16-1518262-T-C. GRCh37 (hg19) VCF-style: chr16-1568263-T-C.
Other names: short protein forms Y1379C.
Identifiers: ClinVar variation 954248 (VCV000954248.9), dbSNP rs117433764, ClinGen allele CA7812894.

ClinVar aggregate classification (germline): Uncertain significance. Review status: criteria provided, multiple submitters, no conflicts (2 of 4 stars). 2 submissions from 2 submitters: Uncertain significance (2). Last evaluated 2025-11-18.

Conditions:
Inborn genetic diseases. Identifiers: MedGen C0950123, MeSH D030342.
Saldino-Mainzer syndrome (SRTD9). Also called: CONORENAL SYNDROME; SHORT-RIB THORACIC DYSPLASIA 9 WITHOUT POLYDACTYLY; short-rib thoracic dysplasia 9 with or without polydactyly; Renal dysplasia, retinal pigmentary dystrophy, cerebellar ataxia and skeletal dysplasia. Identifiers: Orphanet 140969, MedGen C1849437, MONDO:0009964, OMIM 266920.

Allele frequency attached by ClinVar (database versions not stated): ExAC 0.00002; gnomAD 0.00003; TOPMed 0.00003; gnomAD exomes 0.00005 and 0.00012; ESP Exome Variant Server 0.00008; 1000 Genomes Project 0.00020; 1000 Genomes Project 30x 0.00031.
gnomAD v4.1: 168 of 1,614,142 alleles (0.01%); highest among the groups gnomAD compares: Non-Finnish European, 0.014%; 1 homozygote.

Submissions (2):

Labcorp Genetics (formerly Invitae), Labcorp
Classification: Uncertain significance for Saldino-Mainzer syndrome. Last evaluated: 2025-11-18. Review status: criteria provided, single submitter. Criteria: Invitae Variant Classification Sherloc (09022015). Collection method: clinical testing. Allele origin: germline.
Comment: This sequence change replaces tyrosine, which is neutral and polar, with cysteine, which is neutral and slightly polar, at codon 1379 of the IFT140 protein (p.Tyr1379Cys). This variant is present in population databases (rs117433764, gnomAD 0.01%). This variant has not been reported in the literature in individuals affected with IFT140-related conditions. ClinVar contains an entry for this variant (Variation ID: 954248). Invitae Evidence Modeling of protein sequence and biophysical properties (such as structural, functional, and spatial information, amino acid conservation, physicochemical variation, residue mobility, and thermodynamic stability) indicates that this missense variant is not expected to disrupt IFT140 protein function with a negative predictive value of 80%. In summary, the available evidence is currently insufficient to determine the role of this variant in disease. Therefore, it has been classified as a Variant of Uncertain Significance.

Ambry Genetics
Classification: Uncertain significance for Inborn genetic diseases. Last evaluated: 2025-08-30. Review status: criteria provided, single submitter. Criteria: Ambry Variant Classification Scheme 2023. Collection method: clinical testing. Allele origin: germline.